The following is an entry in ClinVar:

ClinVar aggregate classification (germline): Uncertain significance (1 of 4 stars; one submission).

Conditions:
Kabuki syndrome. Also called: Kabuki make-up syndrome; NIIKAWA-KUROKI SYNDROME. Identifiers: Orphanet 2322, MedGen C0796004, MONDO:0016512.

Submission:

Labcorp Genetics (formerly Invitae), Labcorp
Classification: Uncertain significance for Kabuki syndrome. Last evaluated: 2023-03-26. Review status: criteria provided, single submitter. Criteria: Invitae Variant Classification Sherloc (09022015). Collection method: clinical testing. Allele origin: germline.
Comment: In summary, the available evidence is currently insufficient to determine the role of this variant in disease. Therefore, it has been classified as a Variant of Uncertain Significance. Experimental studies and prediction algorithms are not available or were not evaluated, and the functional significance of this variant is currently unknown. This variant has not been reported in the literature in individuals affected with KMT2D-related conditions. This variant is not present in population databases (gnomAD no frequency). This variant, c.9828_9833del, results in the deletion of 2 amino acid(s) of the KMT2D protein (p.Gln3281_Gln3282del), but otherwise preserves the integrity of the reading frame.

NM_003482.4(KMT2D):c.9822GCA[2] (p.Gln3281_Gln3282del)

Gene: KMT2D (lysine methyltransferase 2D; minus strand). Cytogenetic location: 12q13.12.
Variant type: Microsatellite.
Coding change: c.9822GCA[2] on transcript NM_003482.4 (MANE Select); two copies in a row of the 3-base unit GCA starting at c.9822; the reference has four copies in a row; two copies, 6 bases deleted.
Protein change: p.Gln3281_Gln3282del.
Molecular consequence: inframe deletion.
Genome position (GRCh38, 1-based): chr12:49,037,523-49,037,528, TGCTGC deleted on the plus strand (GCAGCA on the coding strand, the reverse complement: KMT2D is on the minus strand); deleting any 6 consecutive bases within chr12:49,037,523-49,037,536 gives the same sequence; the position shown is the placement nearest the transcript's 3' end. VCF-style (leftmost placement, unchanged base first): chr12-49037522-TTGCTGC-T. GRCh37 (hg19) VCF-style: chr12-49431305-TTGCTGC-T.
Identifiers: ClinVar variation 1934914 (VCV001934914.5), dbSNP rs768814728, ClinGen allele CA645574548.